The following is an entry in ClinVar:

NM_001166108.2(PALLD):c.1204C>T (p.Pro402Ser)

Gene: PALLD (palladin, cytoskeletal associated protein; plus strand). Cytogenetic location: 4q32.3.
Variant type: single nucleotide variant.
Coding change: c.1204C>T on transcript NM_001166108.2 (MANE Select); coding-DNA position 1204, C replaced by T.
Protein change: p.Pro402Ser; replaces proline 402 with serine.
Molecular consequence: missense variant.
Genome position (GRCh38, 1-based): chr4:168,683,047, C>T. VCF-style: chr4-168683047-C-T. GRCh37 (hg19) VCF-style: chr4-169604198-C-T.
Other names: c.58C>T, p.Pro20Ser (NM_001166109.2); c.1204C>T, p.Pro402Ser (NM_016081.4); short protein forms P20S, P402S.
Identifiers: ClinVar variation 3226717 (VCV003226717.1), dbSNP rs1781708008, ClinGen allele CA358794247.
Genomic context (GRCh38, chr4:168,683,047, plus strand): 5'-CTATTTTCCAGAGCTCAAAAGAAAACAACTTCTGTTTCCTTGACAATAGGATCATCATCT[C>T]CAAAGACAGGGGTGACCACAGCTGTGATTCAACCACTGTCTGTCCCTGTGCAACAGGTAA-3'
Protein context (NP_001159580.1, residues 392-412): SVSLTIGSSS[Pro402Ser]KTGVTTAVIQ

ClinVar aggregate classification (germline): Uncertain significance (1 of 4 stars; one submission).

Submission:

Ambry Genetics
Classification: Uncertain significance. Last evaluated: 2024-01-11. Review status: criteria provided, single submitter. Criteria: Ambry Variant Classification Scheme 2023. Collection method: clinical testing. Allele origin: germline.
Comment: The p.P402S variant (also known as c.1204C>T), located in coding exon 4 of the PALLD gene, results from a C to T substitution at nucleotide position 1204. The proline at codon 402 is replaced by serine, an amino acid with similar properties. This amino acid position is conserved. In addition, this alteration is predicted to be deleterious by in silico analysis. Since supporting evidence is limited at this time, the clinical significance of this alteration remains unclear.